The following is an entry in ClinVar:

NM_152703.5(SAMD9L):c.1657G>C (p.Val553Leu)

Gene: SAMD9L (sterile alpha motif domain containing 9 like; minus strand). Cytogenetic location: 7q21.2.
Variant type: single nucleotide variant.
Coding change: c.1657G>C on transcript NM_152703.5 (MANE Select); coding-DNA position 1657, G replaced by C.
Protein change: p.Val553Leu; replaces valine 553 with leucine.
Molecular consequence: missense variant.
Genome position (GRCh38, 1-based): chr7:93,134,315, C>G on the plus strand (G>C on the coding strand, the complement: SAMD9L is on the minus strand). VCF-style: chr7-93134315-C-G. GRCh37 (hg19) VCF-style: chr7-92763628-C-G.
Other names: c.1657G>C, p.Val553Leu (NM_001303496.3, NM_001303497.3, NM_001303498.3 and 5 more transcripts); c.1657G>C (NM_152703.2); short protein forms V553L.
Identifiers: ClinVar variation 1942123 (VCV001942123.6), dbSNP rs1323955308, ClinGen allele CA368195368.

ClinVar aggregate classification (germline): Uncertain significance. Review status: criteria provided, multiple submitters, no conflicts (2 of 4 stars). 2 submissions from 2 submitters: Uncertain significance (2). Last evaluated 2025-12-23.

Conditions:
Inborn genetic diseases. Identifiers: MedGen C0950123, MeSH D030342.

Submissions (2):

Labcorp Genetics (formerly Invitae), Labcorp
Classification: Uncertain significance. Last evaluated: 2025-12-23. Review status: criteria provided, single submitter. Criteria: Invitae Variant Classification Sherloc (09022015). Collection method: clinical testing. Allele origin: germline.
Comment: This sequence change replaces valine, which is neutral and non-polar, with leucine, which is neutral and non-polar, at codon 553 of the SAMD9L protein (p.Val553Leu). This variant is not present in population databases (gnomAD no frequency). This variant has not been reported in the literature in individuals affected with SAMD9L-related conditions. ClinVar contains an entry for this variant (Variation ID: 1942123). Invitae Evidence Modeling of protein sequence and biophysical properties (such as structural, functional, and spatial information, amino acid conservation, physicochemical variation, residue mobility, and thermodynamic stability) indicates that this missense variant is expected to disrupt SAMD9L protein function with a positive predictive value of 80%. In summary, the available evidence is currently insufficient to determine the role of this variant in disease. Therefore, it has been classified as a Variant of Uncertain Significance.

Ambry Genetics
Classification: Uncertain significance for Inborn genetic diseases. Last evaluated: 2025-01-13. Review status: criteria provided, single submitter. Criteria: Ambry Variant Classification Scheme 2023. Collection method: clinical testing. Allele origin: germline.
Comment: The p.V553L variant (also known as c.1657G>C), located in coding exon 1 of the SAMD9L gene, results from a G to C substitution at nucleotide position 1657. The valine at codon 553 is replaced by leucine, an amino acid with highly similar properties. This amino acid position is conserved. In addition, this alteration is predicted to be tolerated by in silico analysis. Based on the available evidence, the clinical significance of this variant remains unclear.